The following is an entry in ClinVar:

NM_012448.4(STAT5B):c.121C>T (p.Gln41Ter)

Gene: STAT5B (signal transducer and activator of transcription 5B; minus strand). Cytogenetic location: 17q21.2.
Variant type: single nucleotide variant.
Coding change: c.121C>T on transcript NM_012448.4 (MANE Select); coding-DNA position 121, C replaced by T.
Protein change: p.Gln41Ter; replaces glutamine 41 with a stop codon.
Molecular consequence: nonsense.
Genome position (GRCh38, 1-based): chr17:42,232,007, G>A on the plus strand (C>T on the coding strand, the complement: STAT5B is on the minus strand). VCF-style: chr17-42232007-G-A. GRCh37 (hg19) VCF-style: chr17-40384025-G-A.
Other names: short protein forms Q41*.
Identifiers: ClinVar variation 1074067 (VCV001074067.7), dbSNP rs767959957, ClinGen allele CA8574374.
Genomic context (GRCh38, chr17:42,232,007, plus strand): 5'-TCCAATATTCTTGTGTTTCACAAAATATGATGCAAACATCCTTGTTCACCTACCATGCTT[G>A]GCTTTCAATCCACTGGGATAAATAATGCCGCACCTCAATGGGAAAATGCTGGCCATATAA-3'

ClinVar aggregate classification (germline): Pathogenic (1 of 4 stars; one submission).

Conditions:
Growth hormone insensitivity with immune dysregulation 1, autosomal recessive. Also called: LARON SYNDROME DUE TO POSTRECEPTOR DEFECT; Laron syndrome with immunodeficiency; GROWTH HORMONE INSENSITIVITY SYNDROME WITH IMMUNE DYSREGULATION 1, AUTOSOMAL RECESSIVE; GROWTH HORMONE INSENSITIVITY DUE TO POSTRECEPTOR DEFECT. Identifiers: Orphanet 220465, MedGen C5435698, MONDO:0100211, OMIM 245590.

Allele frequency attached by ClinVar (database versions not stated): gnomAD exomes below 0.00001; ExAC 0.00001.
gnomAD v4.1: 1 of 1,613,848 alleles (0.000062%); highest among the groups gnomAD compares: Admixed American, 0.0017%; no homozygotes.

Submission:

Labcorp Genetics (formerly Invitae), Labcorp
Classification: Pathogenic for Growth hormone insensitivity with immune dysregulation 1, autosomal recessive. Last evaluated: 2020-11-15. Review status: criteria provided, single submitter. Criteria: Invitae Variant Classification Sherloc (09022015). Collection method: clinical testing. Allele origin: germline.
Comment: This variant has not been reported in the literature in individuals with STAT5B-related conditions. Loss-of-function variants in STAT5B are known to be pathogenic (PMID: 15827093). For these reasons, this variant has been classified as Pathogenic. This sequence change creates a premature translational stop signal (p.Gln41*) in the STAT5B gene. It is expected to result in an absent or disrupted protein product. This variant is present in population databases (rs767959957, ExAC 0.009%).

Literature cited by the submitters: PubMed 15827093.